The following is an entry in ClinVar:

ClinVar aggregate classification (germline): Uncertain significance (1 of 4 stars; one submission).

Allele frequency attached by ClinVar (database versions not stated): gnomAD 0.00001; 1000 Genomes Project 30x 0.00016; 1000 Genomes Project 0.00020.
gnomAD v4.1: 19 of 1,611,666 alleles (0.0012%); highest among the groups gnomAD compares: Non-Finnish European, 0.0014%; no homozygotes.

Submission:

Labcorp Genetics (formerly Invitae), Labcorp
Classification: Uncertain significance. Last evaluated: 2025-06-01. Review status: criteria provided, single submitter. Criteria: Invitae Variant Classification Sherloc (09022015). Collection method: clinical testing. Allele origin: germline.
Comment: This sequence change falls in intron 14 of the DSG1 gene. It does not directly change the encoded amino acid sequence of the DSG1 protein. It affects a nucleotide within the consensus splice site. This variant is present in population databases (rs557666659, gnomAD 0.003%). This variant has not been reported in the literature in individuals affected with DSG1-related conditions. ClinVar contains an entry for this variant (Variation ID: 1473855). Variants that disrupt the consensus splice site are a relatively common cause of aberrant splicing (PMID: 17576681, 9536098). Algorithms developed to predict the effect of sequence changes on RNA splicing suggest that this variant is not likely to affect RNA splicing. In summary, the available evidence is currently insufficient to determine the role of this variant in disease. Therefore, it has been classified as a Variant of Uncertain Significance.

Literature cited by the submitters: PubMed 17576681; PubMed 9536098.

NM_001942.4(DSG1):c.2100+5G>T

Genes: DSG1 (desmoglein 1; plus strand), DSG1-AS1 (DSG1 antisense RNA 1; minus strand). Cytogenetic location: 18q12.1.
Variant type: single nucleotide variant.
Coding change: c.2100+5G>T on transcript NM_001942.4 (MANE Select); 5 bases into the intron after coding-DNA position 2100, G replaced by T.
Molecular consequence: intron variant.
Genome position (GRCh38, 1-based): chr18:31,346,203, G>T. VCF-style: chr18-31346203-G-T. GRCh37 (hg19) VCF-style: chr18-28926166-G-T.
Identifiers: ClinVar variation 1473855 (VCV001473855.6), dbSNP rs557666659, ClinGen allele CA8926260.
Genomic context (GRCh38, chr18:31,346,203, plus strand): 5'-GGGAATGTAGAGAAGGAGGTCTGAATATGAATTTCATGGAAAGCTACTTCTGTCAGGTAA[G>T]GTCCCTAGCCACATGCCTTTCTCGCCATCCATGTGCCTGCTGCTCTTCACCAAGCTTTCA-3'